The following is an entry in ClinVar:

ClinVar aggregate classification (germline): Pathogenic. Review status: criteria provided, multiple submitters, no conflicts (2 of 4 stars). 2 submissions from 2 submitters: Pathogenic (2). Last evaluated 2019-07-01.

Conditions:
Hereditary cancer-predisposing syndrome. Also called: Hereditary neoplastic syndrome; Tumor predisposition; Neoplastic Syndromes, Hereditary; Hereditary Cancer Syndrome. Identifiers: Orphanet 140162, MedGen C0027672, MeSH D009386, MONDO:0015356.
DICER1-related tumor predisposition. Also called: DICER1-related pleuropulmonary blastoma cancer predisposition syndrome; DICER1 syndrome. Identifiers: Orphanet 284343, MedGen C3839822, MONDO:0100216.

Submissions (2):

Foulkes Cancer Genetics LDI, Lady Davis Institute for Medical Research
Classification: Pathogenic for Pleuropulmonary blastoma. Last evaluated: 2019-07-01. Review status: criteria provided, single submitter. Criteria: ACMG Guidelines, 2015. Collection method: curation. Allele origin: germline. Affected: yes. Observed: 1 variant allele.
Comment: ACMG criteria met: PVS1, PM2, PP4

Ambry Genetics
Classification: Pathogenic for Hereditary cancer-predisposing syndrome. Last evaluated: 2015-03-06. Review status: criteria provided, single submitter. Criteria: Ambry Variant Classification Scheme 2023. Collection method: clinical testing. Allele origin: germline.
Comment: The c.1839delA pathogenic mutation, located in coding exon 10 of the DICER1 gene, results from a deletion of one nucleotide at nucleotide position 1839, causing a translational frameshift with a predicted alternate stop codon. Since frameshifts are typically deleterious in nature, this alteration is interpreted as a disease-causing mutation (ACMG Recommendations for Standards for Interpretation and Reporting of Sequence Variations. Revision 2007. Genet Med. 2008;10:294).

Literature cited by the submitters: PubMed 28502826 (cited by Foulkes Cancer Genetics LDI, Lady Davis Institute for Medical Research).

NM_177438.3(DICER1):c.1839del (p.Tyr614fs)

Gene: DICER1 (dicer 1, ribonuclease III; minus strand). Cytogenetic location: 14q32.13.
Variant type: Deletion.
Coding change: c.1839del on transcript NM_177438.3 (MANE Select); coding-DNA position 1839, one base deleted (A; older notation c.1839delA).
Protein change: p.Tyr614fs; shifts the reading frame from tyrosine 614.
Molecular consequence: frameshift variant.
Genome position (GRCh38, 1-based): chr14:95,115,735, T deleted on the plus strand (A on the coding strand, the reverse complement: DICER1 is on the minus strand). VCF-style (leftmost placement, unchanged base first): chr14-95115734-AT-A. GRCh37 (hg19) VCF-style: chr14-95582071-AT-A.
Other names: c.1839delA (NM_177438.2); c.1839del, p.Tyr614fs (NM_001195573.1, NM_001271282.3, NM_001291628.2 and 1 more transcripts); short protein forms Y614fs.
Identifiers: ClinVar variation 429135 (VCV000429135.8), dbSNP rs1131691207, ClinGen allele CA645369629.